The following is an entry in ClinVar:

NM_000540.3(RYR1):c.6407G>A (p.Arg2136His)

Gene: RYR1 (ryanodine receptor 1; plus strand). Cytogenetic location: 19q13.2.
Variant type: single nucleotide variant.
Coding change: c.6407G>A on transcript NM_000540.3 (MANE Select); coding-DNA position 6407, G replaced by A.
Protein change: p.Arg2136His; replaces arginine 2136 with histidine.
Molecular consequence: missense variant.
Genome position (GRCh38, 1-based): chr19:38,494,484, G>A. VCF-style: chr19-38494484-G-A. GRCh37 (hg19) VCF-style: chr19-38985124-G-A.
Other names: c.6407G>A, p.Arg2136His (NM_001042723.2); short protein forms R2136H.
Identifiers: ClinVar variation 329051 (VCV000329051.15), dbSNP rs530885842, ClinGen allele CA068218.
Genomic context (GRCh38, chr19:38,494,484, plus strand): 5'-TGGTGCGGGCCATGTTCAGCCTCCTGCACCGGCAGTACGACGGGCTGGGTGAGCTGCTGC[G>A]TGCCCTGCCGCGGGCGTACACCATCTCACCGTCCTCCGTGGAAGACACCATGAGCCTGCT-3'
Protein context (NP_000531.2, residues 2126-2146): RQYDGLGELL[Arg2136His]ALPRAYTISP

ClinVar aggregate classification (germline): Uncertain significance. Review status: criteria provided, multiple submitters, no conflicts (2 of 4 stars). 6 submissions from 5 submitters: Uncertain significance (6). Last evaluated 2026-01-22.

Conditions:
RYR1-related disorder. Also called: RYR1-related condition; RYR1-related disorders. Identifiers: MedGen CN239331.
Congenital multicore myopathy with external ophthalmoplegia (CMYO1B). Also called: MULTICORE MYOPATHY; Minicore myopathy with external ophthalmoplegia; Congenital myopathy 1B, autosomal recessive; Minicore myopathy; MULTIMINICORE DISEASE WITH EXTERNAL OPHTHALMOPLEGIA. Identifiers: Orphanet 598, Orphanet 98905, MedGen C1850674, MONDO:0009712, OMIM 255320, HP:0003789.
Malignant hyperthermia, susceptibility to, 1 (MHS1). Also called: Anesthesia related hyperthermia; Malignant hyperpyrexia; Fulminating hyperpyrexia; Pharmacogenic myopathy; RYR1-Related Malignant Hyperthermia Susceptibility; Malignant hyperthermia suceptibility 1. Identifiers: Orphanet 423, MedGen C2930980, MONDO:0007783, OMIM 145600.

Allele frequency attached by ClinVar (database versions not stated): gnomAD 0.00001 and 0.00002; gnomAD exomes 0.00001 and 0.00002; ExAC 0.00003; 1000 Genomes Project 30x 0.00016; 1000 Genomes Project 0.00020.
gnomAD v4.1: 33 of 1,613,152 alleles (0.002%); highest among the groups gnomAD compares: Non-Finnish European, 0.0027%; no homozygotes.

Submissions (6):

Labcorp Genetics (formerly Invitae), Labcorp
Classification: Uncertain significance for RYR1-related disorder. Last evaluated: 2026-01-22. Review status: criteria provided, single submitter. Criteria: Invitae Variant Classification Sherloc (09022015). Collection method: clinical testing. Allele origin: germline.
Comment: This sequence change replaces arginine, which is basic and polar, with histidine, which is basic and polar, at codon 2136 of the RYR1 protein (p.Arg2136His). This variant is present in population databases (rs530885842, gnomAD 0.004%). This variant has not been reported in the literature in individuals affected with RYR1-related conditions. ClinVar contains an entry for this variant (Variation ID: 329051). Invitae Evidence Modeling of protein sequence and biophysical properties (such as structural, functional, and spatial information, amino acid conservation, physicochemical variation, residue mobility, and thermodynamic stability) indicates that this missense variant is not expected to disrupt RYR1 protein function with a negative predictive value of 80%. Experimental studies are conflicting or provide insufficient evidence to determine the effect of this variant on RYR1 function (PMID: 28687594). In summary, the available evidence is currently insufficient to determine the role of this variant in disease. Therefore, it has been classified as a Variant of Uncertain Significance.

All of Us Research Program, National Institutes of Health
Classification: Uncertain significance for Malignant hyperthermia, susceptibility to, 1. Last evaluated: 2024-05-14. Review status: criteria provided, single submitter. Criteria: ACMG Guidelines, 2015. Collection method: clinical testing. Allele origin: germline. Inheritance: Autosomal dominant inheritance. Observed: 4 variant alleles, 4 heterozygotes.
Comment: This missense variant replaces arginine with histidine at codon 2136 of the RYR1 protein. Computational prediction suggests that this variant may have deleterious impact on protein structure and function (internally defined REVEL score threshold >= 0.7, PMID: 27666373). This variant occurs in a region of RYR1 considered to be a hotspot for pathogenic variants that contribute to malignant hyperthermia susceptibility (PMID: 21118704). A functional study in HEK293 cells has shown cells expressing this variant have a lowered threshold to spontaneous Ca2+ release during store Ca2+ overload compared to cells expressing wild-type RYR1, but the clinical relevance of this observation is not known (PMID: 28687594). This variant has not been reported in individuals affected with RYR1-related disorders in the literature. This variant has been identified in 4/281590 chromosomes in the general population by the Genome Aggregation Database (gnomAD). The available evidence is insufficient to determine the role of this variant in disease conclusively. Therefore, this variant is classified as a Variant of Uncertain Significance.

This study involves interpretation of variants in research participants for the purpose of population health screening. Participant phenotype was not available at the time of variant classification. Additional details can be found in publication PMID: 35346344, PMCID: PMC8962531

Color Diagnostics, LLC DBA Color Health
Classification: Uncertain significance for Malignant hyperthermia, susceptibility to, 1. Last evaluated: 2024-05-03. Review status: criteria provided, single submitter. Criteria: ACMG Guidelines, 2015. Collection method: clinical testing. Allele origin: germline.
Comment: This missense variant replaces arginine with histidine at codon 2136 of the RYR1 protein. Computational prediction is inconclusive regarding the impact of this variant on protein structure and function. This variant occurs in a region of RYR1 considered to be a hotspot for pathogenic variants that contribute to malignant hyperthermia susceptibility (PMID: 21118704). A functional study in HEK293 cells has shown cells expressing this variant have a lowered threshold to spontaneous Ca2+ release during store Ca2+ overload compared to cells expressing wild-type RYR1, but the clinical relevance of this observation is not known (PMID: 28687594). This variant has not been reported in individuals affected with RYR1-related disorders in the literature. This variant has been identified in 4/281590 chromosomes in the general population by the Genome Aggregation Database (gnomAD). The available evidence is insufficient to determine the role of this variant in disease conclusively. Therefore, this variant is classified as a Variant of Uncertain Significance.

GeneDx
Classification: Uncertain significance. Last evaluated: 2021-12-12. Review status: criteria provided, single submitter. Criteria: GeneDx Variant Classification Process June 2021. Collection method: clinical testing. Allele origin: germline. Affected: yes.
Comment: Not observed at significant frequency in large population cohorts (Lek et al., 2016); In silico analysis supports that this missense variant has a deleterious effect on protein structure/function; Has not been previously published as pathogenic or benign to our knowledge; This variant is associated with the following publications: (PMID: 28687594, 12668474)

Illumina Laboratory Services, Illumina
Classification: Uncertain significance for Malignant hyperthermia, susceptibility to, 1. Last evaluated: 2018-01-12. Review status: criteria provided, single submitter. Criteria: ICSL Variant Classification Criteria 13 December 2019. Collection method: clinical testing. Allele origin: germline.

Illumina Laboratory Services, Illumina
Classification: Uncertain significance for Congenital multicore myopathy with external ophthalmoplegia. Last evaluated: 2018-01-12. Review status: criteria provided, single submitter. Criteria: ICSL Variant Classification Criteria 13 December 2019. Collection method: clinical testing. Allele origin: germline.

Literature cited by the submitters: PubMed 28687594 (cited by 3 submitters); PubMed 21118704 (cited by All of Us Research Program, National Institutes of Health and Color Diagnostics, LLC DBA Color Health).